The following is an entry in ClinVar:

NM_005068.3(SIM1):c.898_907del (p.Lys300fs)

Gene: SIM1 (SIM bHLH transcription factor 1; minus strand). Cytogenetic location: 6q16.3.
Variant type: Deletion.
Coding change: c.898_907del on transcript NM_005068.3 (MANE Select); coding-DNA positions 898 to 907, 10 bases deleted (AAACACGGCG; older notation c.898_907delAAACACGGCG).
Protein change: p.Lys300fs; shifts the reading frame from lysine 300.
Molecular consequence: frameshift variant.
Genome position (GRCh38, 1-based): chr6:100,447,359-100,447,368, CGCCGTGTTT deleted on the plus strand (AAACACGGCG on the coding strand, the reverse complement: SIM1 is on the minus strand); deleting any 10 consecutive bases within chr6:100,447,359-100,447,372 gives the same sequence; the c. name uses the placement nearest the transcript's 3' end. VCF-style (leftmost placement, unchanged base first): chr6-100447358-CCGCCGTGTTT-C. GRCh37 (hg19) VCF-style: chr6-100895234-CCGCCGTGTTT-C.
Other names: c.898_907del, p.Lys300fs (NM_001374769.1); short protein forms K300fs.
Identifiers: ClinVar variation 4995502 (VCV004995502.1).

ClinVar aggregate classification (germline): Likely pathogenic (1 of 4 stars; one submission).

Conditions:
SIM1-related disorder. Also called: SIM1-related condition; SIM1-related disorders.

Submission:

PreventionGenetics, part of Exact Sciences
Classification: Likely pathogenic for SIM1-related condition. Last evaluated: 2026-08-13. Review status: criteria provided, single submitter. Criteria: ACMG Guidelines, 2015. Collection method: clinical testing. Allele origin: germline.
Comment: The SIM1 c.898_907del10 variant is predicted to result in a frameshift and premature protein termination (p.Lys300Alafs*62). To our knowledge, this variant has not been reported in the literature or in a large population database (gnomAD), indicating this variant is rare. Frameshift variants in SIM1 are expected to be pathogenic. This variant is interpreted as likely pathogenic.